The following is an entry in ClinVar:

ClinVar aggregate classification (germline): Conflicting classifications of pathogenicity. Review status: criteria provided, conflicting classifications (1 of 4 stars). 4 submissions from 4 submitters: Uncertain significance (2); Likely benign (2). Last evaluated 2026-06-20.

Conditions:
Inborn genetic diseases. Identifiers: MedGen C0950123, MeSH D030342.
Hereditary spastic paraplegia 3A (SPG3A). Also called: Spastic paraplegia 3A, autosomal dominant; SPASTIC PARAPLEGIA 3, AUTOSOMAL DOMINANT; FAMILIAL SPASTIC PARAPLEGIA, AUTOSOMAL DOMINANT, 1; SPG3; STRUMPELL DISEASE; Spastic Paraplegia 3A. Identifiers: Orphanet 100984, MedGen C2931355, MONDO:0008437, OMIM 182600.
ATL1-related disorder. Also called: ATL1-related condition.

Allele frequency attached by ClinVar (database versions not stated): gnomAD exomes 0.00004; TOPMed 0.00005; ExAC 0.00002; gnomAD 0.00004.
gnomAD v4.1: 58 of 1,613,894 alleles (0.0036%); highest among the groups gnomAD compares: Admixed American, 0.01%; no homozygotes.

Submissions (4):

PreventionGenetics, part of Exact Sciences
Classification: Likely benign for ATL1-related condition. Last evaluated: 2026-06-20. Review status: criteria provided, single submitter. Criteria: ACMG Guidelines, 2015. Collection method: clinical testing. Allele origin: germline.
Comment: This variant is classified as likely benign based on ACMG/AMP sequence variant interpretation guidelines (Richards et al. 2015 PMID: 25741868, with internal and published modifications).

Labcorp Genetics (formerly Invitae), Labcorp
Classification: Likely benign for Hereditary spastic paraplegia 3A. Last evaluated: 2025-12-08. Review status: criteria provided, single submitter. Criteria: Invitae Variant Classification Sherloc (09022015). Collection method: clinical testing. Allele origin: germline.

ARUP Laboratories, Molecular Genetics and Genomics, ARUP Laboratories
Classification: Uncertain significance. Last evaluated: 2024-02-15. Review status: criteria provided, single submitter. Criteria: ARUP Molecular Germline Variant Investigation Process 2024. Collection method: clinical testing. Allele origin: germline.
Comment: The ATL1 c.27C>G; p.Asn9Lys variant (rs752593199), to our knowledge, is not reported in the medical literature but is reported in ClinVar (Variation ID: 538580). This variant is observed in the general population with an overall allele frequency of 0.005% (14/280794 alleles) in the Genome Aggregation Database (v2.1.1). Computational analyses predict that this variant is neutral (REVEL: 0.077). Due to limited information, the clinical significance of this variant is uncertain at this time.

Ambry Genetics
Classification: Uncertain significance for Inborn genetic diseases. Last evaluated: 2019-10-29. Review status: criteria provided, single submitter. Criteria: Ambry Variant Classification Scheme 2023. Collection method: clinical testing. Allele origin: germline.
Comment: The p.N9K variant (also known as c.27C>G), located in coding exon 1 of the ATL1 gene, results from a C to G substitution at nucleotide position 27. The asparagine at codon 9 is replaced by lysine, an amino acid with similar properties. This amino acid position is well conserved in available vertebrate species. In addition, this alteration is predicted to be tolerated by in silico analysis. Since supporting evidence is limited at this time, the clinical significance of this alteration remains unclear.

NM_015915.5(ATL1):c.27C>G (p.Asn9Lys)

Genes: ATL1 (atlastin GTPase 1; plus strand), MAP4K5 (mitogen-activated protein kinase kinase kinase kinase 5; minus strand). Cytogenetic location: 14q22.1.
Variant type: single nucleotide variant.
Coding change: c.27C>G on transcript NM_015915.5 (MANE Select); coding-DNA position 27, C replaced by G.
Protein change: p.Asn9Lys; replaces asparagine 9 with lysine.
Molecular consequence: missense variant.
Genome position (GRCh38, 1-based): chr14:50,560,292, C>G. VCF-style: chr14-50560292-C-G. GRCh37 (hg19) VCF-style: chr14-51027010-C-G.
Other names: c.27C>G, p.Asn9Lys (NM_001127713.1, NM_181598.4); short protein forms N9K.
Identifiers: ClinVar variation 538580 (VCV000538580.15), dbSNP rs752593199, ClinGen allele CA7180146.
Genomic context (GRCh38, chr14:50,560,292, plus strand): 5'-ACAGCGCCTCACCGCCACCAGCTCCTGGACCACCATGGCCAAGAACCGCAGGGACAGAAA[C>G]AGTTGGGGTGAGTAGCAAATGAGAACTTCTGCAGCCTGCACGGGGTCTTCTGGCCCTCCA-3'
Protein context (NP_056999.2, residues 1-19): MAKNRRDR[Asn9Lys]SWGGFSEKTY